The following is an entry in ClinVar:

NM_015311.3(OBSL1):c.1057C>T (p.Arg353Cys)

Gene: OBSL1 (obscurin like cytoskeletal adaptor 1; minus strand). Cytogenetic location: 2q35.
Variant type: single nucleotide variant.
Coding change: c.1057C>T on transcript NM_015311.3 (MANE Select); coding-DNA position 1057, C replaced by T.
Protein change: p.Arg353Cys; replaces arginine 353 with cysteine.
Molecular consequence: missense variant.
Genome position (GRCh38, 1-based): chr2:219,568,280, G>A on the plus strand (C>T on the coding strand, the complement: OBSL1 is on the minus strand). VCF-style: chr2-219568280-G-A. GRCh37 (hg19) VCF-style: chr2-220433002-G-A.
Other names: c.1057C>T, p.Arg353Cys (NM_001173408.2, NM_001173431.2); short protein forms R353C.
Identifiers: ClinVar variation 1376689 (VCV001376689.8), dbSNP rs755753519, ClinGen allele CA2131649.

ClinVar aggregate classification (germline): Uncertain significance (1 of 4 stars; one submission).

Allele frequency attached by ClinVar (database versions not stated): gnomAD 0.00002; TOPMed 0.00002; ExAC 0.00004.
gnomAD v4.1: 9 of 1,609,262 alleles (0.00056%); highest among the groups gnomAD compares: East Asian, 0.0089%; no homozygotes.

Submission:

Labcorp Genetics (formerly Invitae), Labcorp
Classification: Uncertain significance. Last evaluated: 2024-03-19. Review status: criteria provided, single submitter. Criteria: Invitae Variant Classification Sherloc (09022015). Collection method: clinical testing. Allele origin: germline.
Comment: This sequence change replaces arginine, which is basic and polar, with cysteine, which is neutral and slightly polar, at codon 353 of the OBSL1 protein (p.Arg353Cys). This variant is present in population databases (rs755753519, gnomAD 0.007%). This variant has not been reported in the literature in individuals affected with OBSL1-related conditions. ClinVar contains an entry for this variant (Variation ID: 1376689). An algorithm developed to predict the effect of missense changes on protein structure and function (PolyPhen-2) suggests that this variant is likely to be disruptive. In summary, the available evidence is currently insufficient to determine the role of this variant in disease. Therefore, it has been classified as a Variant of Uncertain Significance.